The following is an entry in ClinVar:

ClinVar aggregate classification (germline): Uncertain significance (1 of 4 stars; one submission).

gnomAD v4.1: 1 of 1,594,214 alleles (0.000063%); highest among the groups gnomAD compares: Non-Finnish European, 0.000085%; no homozygotes.

Submission:

CeGaT Center for Human Genetics Tuebingen
Classification: Uncertain significance. Last evaluated: 2025-05-01. Review status: criteria provided, single submitter. Criteria: CeGaT Center For Human Genetics Tuebingen Variant Classification Criteria Version 2. Collection method: clinical testing. Allele origin: germline. Affected: yes. Observed: 1 variant allele.
Comment: KCNN2: PP3

NM_021614.4(KCNN2):c.857A>G (p.Asn286Ser)

Gene: KCNN2 (potassium calcium-activated channel subfamily N member 2; plus strand). Cytogenetic location: 5q22.3.
Variant type: single nucleotide variant.
Coding change: c.857A>G on transcript NM_021614.4 (MANE Select); coding-DNA position 857, A replaced by G.
Protein change: p.Asn286Ser; replaces asparagine 286 with serine.
Molecular consequence: missense variant. On other transcripts: non-coding transcript variant (1).
Genome position (GRCh38, 1-based): chr5:114,362,996, A>G. VCF-style: chr5-114362996-A-G. GRCh37 (hg19) VCF-style: chr5-113698693-A-G.
Other names: c.1055A>G, p.Asn352Ser (NM_001372233.1); short protein forms N286S, N352S.
Identifiers: ClinVar variation 3905986 (VCV003905986.10).
Genomic context (GRCh38, chr5:114,362,996, plus strand): 5'-CCGCCGCCGCCGCTGTTTCGTCCTCAGCCCCCGAGATCGTGGTGTCTAAGCCCGAGCACA[A>G]CAACTCCAACAACCTGGCGCTCTATGGAACCGGCGGCGGAGGCAGCACTGGAGGAGGCGG-3'
Protein context (NP_067627.3, residues 276-296): PEIVVSKPEH[Asn286Ser]NSNNLALYGT